The following is an entry in ClinVar:

NM_152564.5(VPS13B):c.10980C>T (p.Gly3660=)

Gene: VPS13B (vacuolar protein sorting 13 homolog B; plus strand). Cytogenetic location: 8q22.2.
Variant type: single nucleotide variant.
Coding change: c.10980C>T on transcript NM_152564.5 (MANE Select); coding-DNA position 10980, C replaced by T.
Protein change: p.Gly3660=; no amino-acid change (glycine 3660 retained).
Molecular consequence: synonymous variant.
Genome position (GRCh38, 1-based): chr8:99,859,416, C>T. VCF-style: chr8-99859416-C-T. GRCh37 (hg19) VCF-style: chr8-100871644-C-T.
Other names: c.11055C>T, p.Gly3685= (NM_017890.5); c.10980C>T (NM_152564.4).
Identifiers: ClinVar variation 752790 (VCV000752790.13), dbSNP rs142939294, ClinGen allele CA4825086.

ClinVar aggregate classification (germline): Likely benign. Review status: criteria provided, multiple submitters, no conflicts (2 of 4 stars). 4 submissions from 4 submitters: Likely benign (2). 2 of the submissions do not count toward it. Last evaluated 2026-01-17.

Conditions:
Cohen syndrome (COH1). Also called: Cutis verticis gyrata, retinitis pigmentosa, and sensorineural deafness; PEPPER SYNDROME. Identifiers: Orphanet 193, MedGen C0265223, MONDO:0008999, OMIM 216550.
VPS13B-related disorder. Also called: VPS13B-related condition.

Allele frequency attached by ClinVar (database versions not stated): gnomAD exomes 0.00002 and 0.00004; ExAC 0.00006; gnomAD 0.00011 and 0.00012; TOPMed 0.00013; ESP Exome Variant Server 0.00038.
gnomAD v4.1: 41 of 1,613,990 alleles (0.0025%); highest among the groups gnomAD compares: African/African-American, 0.024%; no homozygotes.

Submissions (4):

Labcorp Genetics (formerly Invitae), Labcorp
Classification: Likely benign for Cohen syndrome. Last evaluated: 2026-01-17. Review status: criteria provided, single submitter. Criteria: Invitae Variant Classification Sherloc (09022015). Collection method: clinical testing. Allele origin: germline.

Blueprint Genetics
Classification: Likely benign. Last evaluated: 2022-11-08. Review status: criteria provided, single submitter. Criteria: ACMG Guidelines, 2015. Collection method: clinical testing. Allele origin: germline.

PreventionGenetics, part of Exact Sciences
Classification: Likely benign for VPS13B-related condition. Last evaluated: 2024-03-05. Review status: no assertion criteria provided. Collection method: clinical testing. Allele origin: germline. Not counted in ClinVar's aggregate classification.
Comment: This variant is classified as likely benign based on ACMG/AMP sequence variant interpretation guidelines (Richards et al. 2015 PMID: 25741868, with internal and published modifications).

Natera, Inc.
Classification: Likely benign for Cohen syndrome. Last evaluated: 2020-09-02. Review status: no assertion criteria provided. Collection method: clinical testing. Allele origin: germline. Not counted in ClinVar's aggregate classification.